The following is an entry in ClinVar:

NM_005505.5(SCARB1):c.1128+3G>A

Gene: SCARB1 (scavenger receptor class B member 1; minus strand). Cytogenetic location: 12q24.31.
Variant type: single nucleotide variant.
Coding change: c.1128+3G>A on transcript NM_005505.5 (MANE Select); 3 bases into the intron after coding-DNA position 1128, G replaced by A.
Molecular consequence: intron variant.
Genome position (GRCh38, 1-based): chr12:124,800,121, C>T on the plus strand (G>A on the coding strand, the complement: SCARB1 is on the minus strand). VCF-style: chr12-124800121-C-T. GRCh37 (hg19) VCF-style: chr12-125284667-C-T.
Other names: c.727-4853G>A (NM_001367988.1); c.1104+3G>A (NM_001367985.1); c.1004+7645G>A (NM_001367987.1); c.1128+3G>A (NM_001367986.1, NM_001082959.2, NM_001367984.1 and 3 more transcripts); c.1005+3G>A (NM_001367982.1).
Identifiers: ClinVar variation 2759196 (VCV002759196.3), dbSNP rs370318228, ClinGen allele CA6870325.

ClinVar aggregate classification (germline): Uncertain significance (1 of 4 stars; one submission).

Allele frequency attached by ClinVar (database versions not stated): gnomAD exomes 0.00001; ExAC 0.00002; gnomAD 0.00002; ESP Exome Variant Server 0.00008.
gnomAD v4.1: 10 of 1,607,464 alleles (0.00062%); highest among the groups gnomAD compares: East Asian, 0.0022%; no homozygotes.

Submission:

Labcorp Genetics (formerly Invitae), Labcorp
Classification: Uncertain significance. Last evaluated: 2023-08-31. Review status: criteria provided, single submitter. Criteria: Invitae Variant Classification Sherloc (09022015). Collection method: clinical testing. Allele origin: germline.
Comment: In summary, the available evidence is currently insufficient to determine the role of this variant in disease. Therefore, it has been classified as a Variant of Uncertain Significance. This sequence change falls in intron 8 of the SCARB1 gene. It does not directly change the encoded amino acid sequence of the SCARB1 protein. It affects a nucleotide within the consensus splice site. This variant is present in population databases (rs370318228, gnomAD 0.006%). This variant has not been reported in the literature in individuals affected with SCARB1-related conditions. Variants that disrupt the consensus splice site are a relatively common cause of aberrant splicing (PMID: 17576681, 9536098). Algorithms developed to predict the effect of sequence changes on RNA splicing suggest that this variant is not likely to affect RNA splicing.

Literature cited by the submitters: PubMed 17576681; PubMed 9536098.